The following is an entry in ClinVar:

ClinVar aggregate classification (germline): Uncertain significance. Review status: criteria provided, multiple submitters, no conflicts (2 of 4 stars). 2 submissions from 2 submitters: Uncertain significance (2). Last evaluated 2024-06-29.

Conditions:
Cardiomyopathy (CMYO). Also called: Cardiomyopathies. Identifiers: Orphanet 167848, MedGen C0878544, MONDO:0004994, HP:0001638. Inheritance: Various modes of inheritance.
Arrhythmogenic right ventricular dysplasia 10. Also called: Arrhythmogenic Right Ventricular Dysplasia/Cardiomyopathy10; ARRHYTHMOGENIC RIGHT VENTRICULAR DYSPLASIA, FAMILIAL, 10; Arrhythmogenic right ventricular dysplasia/cardiomyopathy, type 10. Identifiers: MedGen C1857777, MONDO:0012434, OMIM 610193.

Submissions (2):

Labcorp Genetics (formerly Invitae), Labcorp
Classification: Uncertain significance for Arrhythmogenic right ventricular dysplasia 10. Last evaluated: 2024-06-29. Review status: criteria provided, single submitter. Criteria: Invitae Variant Classification Sherloc (09022015). Collection method: clinical testing. Allele origin: germline.
Comment: This sequence change replaces tyrosine, which is neutral and polar, with cysteine, which is neutral and slightly polar, at codon 428 of the DSG2 protein (p.Tyr428Cys). This variant is not present in population databases (gnomAD no frequency). This variant has not been reported in the literature in individuals affected with DSG2-related conditions. ClinVar contains an entry for this variant (Variation ID: 923923). An algorithm developed to predict the effect of missense changes on protein structure and function (PolyPhen-2) suggests that this variant is likely to be disruptive. In summary, the available evidence is currently insufficient to determine the role of this variant in disease. Therefore, it has been classified as a Variant of Uncertain Significance.

Color Diagnostics, LLC DBA Color Health
Classification: Uncertain significance for Cardiomyopathy. Last evaluated: 2020-03-23. Review status: criteria provided, single submitter. Criteria: ACMG Guidelines, 2015. Collection method: clinical testing. Allele origin: germline.
Comment: This missense variant replaces tyrosine with cysteine at codon 428 of the DSG2 protein. Computational prediction suggests that this variant may have deleterious impact on protein structure and function (internally defined REVEL score threshold >= 0.7, PMID: 27666373). Splice site prediction tools suggest that this variant may not impact RNA splicing. To our knowledge, functional studies have not been reported for this variant. This variant has not been reported in individuals affected with cardiovascular disorders in the literature. This variant has not been identified in the general population by the Genome Aggregation Database (gnomAD). The available evidence is insufficient to determine the role of this variant in disease conclusively. Therefore, this variant is classified as a Variant of Uncertain Significance.

NM_001943.5(DSG2):c.1283A>G (p.Tyr428Cys)

Gene: DSG2 (desmoglein 2; plus strand). Cytogenetic location: 18q12.1.
Variant type: single nucleotide variant.
Coding change: c.1283A>G on transcript NM_001943.5 (MANE Select); coding-DNA position 1283, A replaced by G.
Protein change: p.Tyr428Cys; replaces tyrosine 428 with cysteine.
Molecular consequence: missense variant.
Genome position (GRCh38, 1-based): chr18:31,535,272, A>G. VCF-style: chr18-31535272-A-G. GRCh37 (hg19) VCF-style: chr18-29115235-A-G.
Other names: short protein forms Y428C.
Identifiers: ClinVar variation 923923 (VCV000923923.5), dbSNP rs2073221993, ClinGen allele CA402140226.